The following is an entry in ClinVar:

ClinVar aggregate classification (germline): Pathogenic (1 of 4 stars; one submission).

Submission:

Labcorp Genetics (formerly Invitae), Labcorp
Classification: Pathogenic. Last evaluated: 2023-08-19. Review status: criteria provided, single submitter. Criteria: Invitae Variant Classification Sherloc (09022015). Collection method: clinical testing. Allele origin: germline.
Comment: For these reasons, this variant has been classified as Pathogenic. Algorithms developed to predict the effect of sequence changes on RNA splicing suggest that this variant may disrupt the consensus splice site. This variant has not been reported in the literature in individuals affected with COL2A1-related conditions. This variant is not present in population databases (gnomAD no frequency). This sequence change creates a premature translational stop signal (p.Gly423Cysfs*34) in the COL2A1 gene. It is expected to result in an absent or disrupted protein product. Loss-of-function variants in COL2A1 are known to be pathogenic (PMID: 20179744).

Literature cited by the submitters: PubMed 20179744.

NC_000012.12:g.47987176_47987177del

Gene: COL2A1 (collagen type II alpha 1 chain; minus strand). Cytogenetic location: 12q13.11.
Variant type: Deletion.
Genome position: GRCh38 VCF-style: chr12-47987174-ACC-A. GRCh37 (hg19) VCF-style: chr12-48380957-ACC-A.
Identifiers: ClinVar variation 2752106 (VCV002752106.3), dbSNP rs2540151785, ClinGen allele CA2697559224.
Genomic context (GRCh38, chr12:47,987,174, plus strand): 5'-TTGAGGGCCAGGAGGGCCCCGTGGCCCAGGGAAGCCAGGAGCACCAGCAATGCCAGGAGC[ACC>A]CTGTGGGCATGAGAAGAAGGGAGGGGTGTCAGGAGAGGGGAGAGGCAGGACTGGGCTCTC-3'